The following is an entry in ClinVar:

ClinVar aggregate classification (germline): Uncertain significance (1 of 4 stars; one submission).

gnomAD v4.1: 1 of 1,613,970 alleles (0.000062%); highest among the groups gnomAD compares: Admixed American, 0.0017%; no homozygotes.

Submission:

Labcorp Genetics (formerly Invitae), Labcorp
Classification: Uncertain significance. Last evaluated: 2025-07-13. Review status: criteria provided, single submitter. Criteria: Invitae Variant Classification Sherloc (09022015). Collection method: clinical testing. Allele origin: germline.
Comment: This sequence change replaces proline, which is neutral and non-polar, with threonine, which is neutral and polar, at codon 450 of the RP1 protein (p.Pro450Thr). This variant is not present in population databases (gnomAD no frequency). This variant has not been reported in the literature in individuals affected with RP1-related conditions. An algorithm developed to predict the effect of missense changes on protein structure and function (PolyPhen-2) suggests that this variant is likely to be disruptive. In summary, the available evidence is currently insufficient to determine the role of this variant in disease. Therefore, it has been classified as a Variant of Uncertain Significance.

NM_006269.2(RP1):c.1348C>A (p.Pro450Thr)

Gene: RP1 (RP1 axonemal microtubule associated; plus strand). Cytogenetic location: 8q12.1.
Variant type: single nucleotide variant.
Coding change: c.1348C>A on transcript NM_006269.2 (MANE Select); coding-DNA position 1348, C replaced by A.
Protein change: p.Pro450Thr; replaces proline 450 with threonine.
Molecular consequence: missense variant. On other transcripts: intron variant (1).
Genome position (GRCh38, 1-based): chr8:54,625,230, C>A. VCF-style: chr8-54625230-C-A. GRCh37 (hg19) VCF-style: chr8-55537790-C-A.
Other names: c.787+2942C>A (NM_001375654.1); short protein forms P450T.
Identifiers: ClinVar variation 4722707 (VCV004722707.1).